The following is an entry in ClinVar:

ClinVar aggregate classification (germline): Likely pathogenic (1 of 4 stars; one submission).

Conditions:
Primary ciliary dyskinesia. Also called: Ciliary dyskinesia. Identifiers: Orphanet 244, MedGen C0008780, MONDO:0016575, HP:0012265.

Submission:

Natera, Inc.
Classification: Likely pathogenic for Primary ciliary dyskinesia. Last evaluated: 2025-01-17. Review status: criteria provided, single submitter. Criteria: Natera Variant Classification Schema (03/2026). Collection method: clinical testing. Allele origin: germline.
Comment: The c.3666delC variant in DNAH5 is a frameshift variant predicted to shift the reading frame beginning at codon 1222 and leads to a stop codon 22 codons downstream. This variant is expected to result in nonsense mediated decay, truncation, or a dysfunctional protein product. This variant is rare in the general population with a frequency below the threshold expected for the associated phenotype(s). Given the available evidence, this variant is classified as Likely Pathogenic.

NM_001369.3(DNAH5):c.3666del (p.Asn1222fs)

Genes: DNAH5-AS1 (DNAH5 antisense RNA 1; plus strand), DNAH5 (dynein axonemal heavy chain 5; minus strand). Cytogenetic location: 5p15.2.
Variant type: Deletion.
Coding change: c.3666del on transcript NM_001369.3 (MANE Select); coding-DNA position 3666, one base deleted (C; older notation c.3666delC).
Protein change: p.Asn1222fs; shifts the reading frame from asparagine 1222.
Molecular consequence: frameshift variant.
Genome position (GRCh38, 1-based): chr5:13,870,935, G deleted on the plus strand (C on the coding strand, the reverse complement: DNAH5 is on the minus strand). VCF-style (leftmost placement, unchanged base first): chr5-13870934-TG-T. GRCh37 (hg19) VCF-style: chr5-13871043-TG-T.
Other names: short protein forms N1222fs.
Identifiers: ClinVar variation 4814883 (VCV004814883.1).